The following is an entry in ClinVar:

ClinVar aggregate classification (germline): Uncertain significance (1 of 4 stars; one submission).

Conditions:
Aniridia 1 (AN1). Identifiers: Orphanet 250923, MedGen C0344542, MONDO:0024507, OMIM 106210.
Irido-corneo-trabecular dysgenesis (ASGD5). Also called: ANTERIOR SEGMENT DYSGENESIS 5. Identifiers: Orphanet 708, MedGen C0344559, MONDO:0011414, OMIM 604229, HP:0000659.

Allele frequency attached by ClinVar (database versions not stated): gnomAD exomes below 0.00001 and 0.00001; ExAC 0.00001; gnomAD 0.00001; TOPMed 0.00001.

Submission:

Labcorp Genetics (formerly Invitae), Labcorp
Classification: Uncertain significance for Aniridia 1; Irido-corneo-trabecular dysgenesis. Last evaluated: 2025-02-04. Review status: criteria provided, single submitter. Criteria: Invitae Variant Classification Sherloc (09022015). Collection method: clinical testing. Allele origin: germline.
Comment: This sequence change replaces arginine, which is basic and polar, with glutamine, which is neutral and polar, at codon 367 of the PAX6 protein (p.Arg367Gln). This variant is present in population databases (rs780115865, gnomAD 0.004%). This variant has not been reported in the literature in individuals affected with PAX6-related conditions. ClinVar contains an entry for this variant (Variation ID: 1467080). Invitae Evidence Modeling of protein sequence and biophysical properties (such as structural, functional, and spatial information, amino acid conservation, physicochemical variation, residue mobility, and thermodynamic stability) indicates that this missense variant is not expected to disrupt PAX6 protein function with a negative predictive value of 95%. In summary, the available evidence is currently insufficient to determine the role of this variant in disease. Therefore, it has been classified as a Variant of Uncertain Significance.

NM_001368894.2(PAX6):c.1142G>A (p.Arg381Gln)

Gene: PAX6 (paired box 6; minus strand). Cytogenetic location: 11p13.
Variant type: single nucleotide variant.
Coding change: c.1142G>A on transcript NM_001368894.2 (MANE Select); coding-DNA position 1142, G replaced by A.
Protein change: p.Arg381Gln; replaces arginine 381 with glutamine.
Molecular consequence: missense variant. On other transcripts: non-coding transcript variant (1), intron variant (9).
Genome position (GRCh38, 1-based): chr11:31,790,793, C>T on the plus strand (G>A on the coding strand, the complement: PAX6 is on the minus strand). VCF-style: chr11-31790793-C-T. GRCh37 (hg19) VCF-style: chr11-31812341-C-T.
Other names: c.1142G>A, p.Arg381Gln (NM_001310158.2, NM_001258463.2, NM_001258462.3 and 3 more transcripts); c.692G>A, p.Arg231Gln (NM_001310160.2, NM_001310161.3, NM_001368899.2 and 10 more transcripts); c.1100G>A, p.Arg367Gln (NM_001368887.2, NM_000280.6, NM_001258464.2 and 6 more transcripts); c.1343G>A, p.Arg448Gln (NM_001368910.2); c.1217G>A, p.Arg406Gln (NM_001368918.2, NM_001368919.2); c.1175G>A, p.Arg392Gln (NM_001368920.2); c.941G>A, p.Arg314Gln (NM_001368922.2, NM_001368923.2, NM_001368924.2 and 3 more transcripts); c.899G>A, p.Arg300Gln (NM_001368928.2); and 6 more; short protein forms R392Q, R406Q, R448Q, R300Q, R381Q, R166Q, R314Q, R231Q.
Identifiers: ClinVar variation 1467080 (VCV001467080.8), dbSNP rs780115865, ClinGen allele CA5933680.